The following is an entry in ClinVar:

NM_000027.4(AGA):c.454C>T (p.Gln152Ter)

Gene: AGA (aspartylglucosaminidase; minus strand). Cytogenetic location: 4q34.3.
Variant type: single nucleotide variant.
Coding change: c.454C>T on transcript NM_000027.4 (MANE Select); coding-DNA position 454, C replaced by T.
Protein change: p.Gln152Ter; replaces glutamine 152 with a stop codon.
Molecular consequence: nonsense. On other transcripts: non-coding transcript variant (1).
Genome position (GRCh38, 1-based): chr4:177,438,798, G>A on the plus strand (C>T on the coding strand, the complement: AGA is on the minus strand). VCF-style: chr4-177438798-G-A. GRCh37 (hg19) VCF-style: chr4-178359952-G-A.
Other names: c.454C>T, p.Gln152Ter (NM_001171988.2); c.454C>T (NM_000027.3); short protein forms Q152*.
Identifiers: ClinVar variation 1072287 (VCV001072287.9), dbSNP rs991950983, ClinGen allele CA358783299.

ClinVar aggregate classification (germline): Pathogenic/Likely pathogenic. Review status: criteria provided, multiple submitters, no conflicts (2 of 4 stars). 2 submissions from 2 submitters: Pathogenic (1); Likely pathogenic (1). Last evaluated 2024-08-26.

Conditions:
Aspartylglucosaminuria (AGU). Also called: AGA DEFICIENCY; GLYCOASPARAGINASE; GLYCOSYLASPARAGINASE DEFICIENCY; Aspartylglucos-aminuria; Aspartylglucos-amidase (AGA) deficiency. Identifiers: Orphanet 93, MedGen C0268225, MONDO:0008830, OMIM 208400, HP:0012068.

gnomAD v4.1: 4 of 1,611,870 alleles (0.00025%); highest among the groups gnomAD compares: Non-Finnish European, 0.00034%; no homozygotes.

Submissions (2):

Natera, Inc.
Classification: Likely pathogenic for Aspartylglucosaminuria. Last evaluated: 2024-08-26. Review status: criteria provided, single submitter. Criteria: Natera Variant Classification Schema (03/2026). Collection method: clinical testing. Allele origin: germline.
Comment: The c.454C>T variant in AGA is a nonsense variant predicted to introduce a stop codon at amino acid 152. This variant is expected to result in nonsense mediated decay, truncation, or a dysfunctional protein product. This variant is rare in the general population with a frequency below the threshold expected for the associated phenotype(s). Given the available evidence, this variant is classified as Likely Pathogenic.

Labcorp Genetics (formerly Invitae), Labcorp
Classification: Pathogenic for Aspartylglucosaminuria. Last evaluated: 2023-04-14. Review status: criteria provided, single submitter. Criteria: Invitae Variant Classification Sherloc (09022015). Collection method: clinical testing. Allele origin: germline.
Comment: For these reasons, this variant has been classified as Pathogenic. ClinVar contains an entry for this variant (Variation ID: 1072287). This variant has not been reported in the literature in individuals affected with AGA-related conditions. This variant is not present in population databases (gnomAD no frequency). This sequence change creates a premature translational stop signal (p.Gln152*) in the AGA gene. It is expected to result in an absent or disrupted protein product. Loss-of-function variants in AGA are known to be pathogenic (PMID: 7627186, 11309371).

Literature cited by the submitters: PubMed 7627186 (cited by Labcorp Genetics (formerly Invitae), Labcorp); PubMed 11309371 (cited by Labcorp Genetics (formerly Invitae), Labcorp).